The following is an entry in ClinVar:

ClinVar aggregate classification (germline): Uncertain significance (1 of 4 stars; one submission).

Conditions:
SON-related disorder. Also called: SON-related condition.

Submission:

PreventionGenetics, part of Exact Sciences
Classification: Uncertain significance for SON-related condition. Last evaluated: 2025-07-23. Review status: criteria provided, single submitter. Criteria: ACMG Guidelines, 2015. Collection method: clinical testing. Allele origin: germline.
Comment: The SON c.2338_2367dup30 variant is predicted to result in an in-frame duplication (p.Ser780_Ser789dup). To our knowledge, this variant has not been reported in the literature or in a large population database (gnomAD), indicating this variant is rare. At this time, the clinical significance of this variant is uncertain due to the absence of conclusive functional and genetic evidence.

NM_138927.4(SON):c.2308TCCATGGACTCCCAGATGTTAGCAACTAGC[3] (p.Ser789_Thr790insSerMetAspSerGlnMetLeuAlaThrSer)

Gene: SON (SON DNA and RNA binding protein; plus strand). Cytogenetic location: 21q22.11.
Variant type: Microsatellite.
Coding change: c.2308TCCATGGACTCCCAGATGTTAGCAACTAGC[3] on transcript NM_138927.4 (MANE Select); three copies in a row of the 30-base unit TCCATGGACTCCCAGATGTTAGCAACTAGC starting at c.2308; the reference has two copies in a row; one copy, 30 bases duplicated.
Protein change: p.Ser789_Thr790insSerMetAspSerGlnMetLeuAlaThrSer.
Molecular consequence: inframe insertion. On other transcripts: non-coding transcript variant (1), intron variant (1).
Genome position (GRCh38, 1-based): chr21:33,551,569-33,551,598, TCCATGGACTCCCAGATGTTAGCAACTAGC duplicated; duplicating any 30 consecutive bases within chr21:33,551,510-33,551,598 gives the same sequence; the position shown is the placement nearest the transcript's 3' end. VCF-style (leftmost placement, unchanged base first): chr21-33551509-A-ACCATGGACTCCCAGATGTTAGCAACTAGCT. GRCh37 (hg19) VCF-style: chr21-34923815-A-ACCATGGACTCCCAGATGTTAGCAACTAGCT.
Other names: c.2308TCCATGGACTCCCAGATGTTAGCAACTAGC[3], p.Ser789_Thr790insSerMetAspSerGlnMetLeuAlaThrSer (NM_001291411.2, NM_032195.3); c.244+5131CCATGGACTCCCAGATGTTAGCAACTAGCT[3] (NM_001291412.3).
Identifiers: ClinVar variation 4990573 (VCV004990573.1).
Genomic context (GRCh38, chr21:33,551,509, plus strand): 5'-ACCATGGACTCCCAGATGCTAGCATCCAACACCATGGACTCCCAGATGTTAGCGTCTAGC[A>ACCATGGACTCCCAGATGTTAGCAACTAGCT]CCATGGACTCCCAGATGTTAGCAACTAGCTCCATGGACTCCCAGATGTTAGCAACTAGCT-3'